The following is an entry in ClinVar:

NM_052947.4(ALPK2):c.3160C>G (p.Gln1054Glu)

Gene: ALPK2 (alpha kinase 2; minus strand). Cytogenetic location: 18q21.31.
Variant type: single nucleotide variant.
Coding change: c.3160C>G on transcript NM_052947.4 (MANE Select); coding-DNA position 3160, C replaced by G.
Protein change: p.Gln1054Glu; replaces glutamine 1054 with glutamic acid.
Molecular consequence: missense variant.
Genome position (GRCh38, 1-based): chr18:58,537,027, G>C on the plus strand (C>G on the coding strand, the complement: ALPK2 is on the minus strand). VCF-style: chr18-58537027-G-C. GRCh37 (hg19) VCF-style: chr18-56204259-G-C.
Other names: short protein forms Q1054E.
Identifiers: ClinVar variation 2564052 (VCV002564052.2), dbSNP rs2518876809, ClinGen allele CA402568978.
Genomic context (GRCh38, chr18:58,537,027, plus strand): 5'-AAAGTAGCTCTTTTGTAGATTTGATGGTAGCACCACTTAAAATATGATCCAACTGCACTT[G>C]GGAAGGAAATTGGGAAACCTTTTCATGGGATGCACGAGGGAACCTCTCCTCAGTGCCACC-3'
Protein context (NP_443179.3, residues 1044-1064): SHEKVSQFPS[Gln1054Glu]VQLDHILSGA

ClinVar aggregate classification (germline): Uncertain significance (1 of 4 stars; one submission).

Allele frequency attached by ClinVar (database versions not stated): gnomAD exomes below 0.00001.
gnomAD v4.1: 3 of 1,613,892 alleles (0.00019%); highest among the groups gnomAD compares: Non-Finnish European, 0.00025%; no homozygotes.

Submission:

Ambry Genetics
Classification: Uncertain significance. Last evaluated: 2023-04-09. Review status: criteria provided, single submitter. Criteria: Ambry Variant Classification Scheme 2023. Collection method: clinical testing. Allele origin: germline.
Comment: The p.Q1054E variant (also known as c.3160C>G), located in coding exon 4 of the ALPK2 gene, results from a C to G substitution at nucleotide position 3160. The glutamine at codon 1054 is replaced by glutamic acid, an amino acid with highly similar properties. This amino acid position is conserved. In addition, this alteration is predicted to be tolerated by in silico analysis. Since supporting evidence is limited at this time, the clinical significance of this alteration remains unclear.